The following is an entry in ClinVar:

ClinVar aggregate classification (germline): Likely benign. Review status: criteria provided, multiple submitters, no conflicts (2 of 4 stars). 3 submissions from 3 submitters: Likely benign (2). 1 of the submissions does not count toward it. Last evaluated 2026-01-28.

Conditions:
BBS12-related disorder. Also called: BBS12-related condition.
Bardet-Biedl syndrome (BBS). Identifiers: Orphanet 110, MedGen C0752166, MONDO:0015229.

Allele frequency attached by ClinVar (database versions not stated): gnomAD exomes below 0.00001 and 0.00001; ExAC 0.00001; gnomAD 0.00001; TOPMed 0.00002.
gnomAD v4.1: 8 of 1,614,138 alleles (0.0005%); highest among the groups gnomAD compares: Admixed American, 0.0083%; no homozygotes.

Submissions (3):

Labcorp Genetics (formerly Invitae), Labcorp
Classification: Likely benign for Bardet-Biedl syndrome. Last evaluated: 2026-01-28. Review status: criteria provided, single submitter. Criteria: Invitae Variant Classification Sherloc (09022015). Collection method: clinical testing. Allele origin: germline.

Blueprint Genetics
Classification: Likely benign. Last evaluated: 2021-12-14. Review status: criteria provided, single submitter. Criteria: ACMG Guidelines, 2015. Collection method: clinical testing. Allele origin: germline.

PreventionGenetics, part of Exact Sciences
Classification: Likely benign for BBS12-related condition. Last evaluated: 2023-08-18. Review status: no assertion criteria provided. Collection method: clinical testing. Allele origin: germline. Not counted in ClinVar's aggregate classification.
Comment: This variant is classified as likely benign based on ACMG/AMP sequence variant interpretation guidelines (Richards et al. 2015 PMID: 25741868, with internal and published modifications).

NM_152618.3(BBS12):c.1521A>G (p.Pro507=)

Gene: BBS12 (Bardet-Biedl syndrome 12; plus strand). Cytogenetic location: 4q27.
Variant type: single nucleotide variant.
Coding change: c.1521A>G on transcript NM_152618.3 (MANE Select); coding-DNA position 1521, A replaced by G.
Protein change: p.Pro507=; no amino-acid change (proline 507 retained).
Molecular consequence: synonymous variant.
Genome position (GRCh38, 1-based): chr4:122,743,413, A>G. VCF-style: chr4-122743413-A-G. GRCh37 (hg19) VCF-style: chr4-123664568-A-G.
Other names: c.1521A>G, p.Pro507= (NM_001178007.2); c.1521A>G (NM_152618.2).
Identifiers: ClinVar variation 1094653 (VCV001094653.10), dbSNP rs778636035, ClinGen allele CA3069470.